The following is an entry in ClinVar:

NM_004656.4(BAP1):c.1554G>C (p.Arg518=)

Gene: BAP1 (BRCA1 associated deubiquitinase 1; minus strand). Cytogenetic location: 3p21.1.
Variant type: single nucleotide variant.
Coding change: c.1554G>C on transcript NM_004656.4 (MANE Select); coding-DNA position 1554, G replaced by C.
Protein change: p.Arg518=; no amino-acid change (arginine 518 retained).
Molecular consequence: synonymous variant.
Genome position (GRCh38, 1-based): chr3:52,403,591, C>G on the plus strand (G>C on the coding strand, the complement: BAP1 is on the minus strand). VCF-style: chr3-52403591-C-G. GRCh37 (hg19) VCF-style: chr3-52437607-C-G.
Other names: c.1500G>C, p.Arg500= (NM_001410772.1).
Identifiers: ClinVar variation 1775131 (VCV001775131.3), dbSNP rs1705043802, ClinGen allele CA433886046.

ClinVar aggregate classification (germline): Benign/Likely benign. Review status: criteria provided, multiple submitters, no conflicts (2 of 4 stars). 2 submissions from 2 submitters: Benign (1); Likely benign (1). Last evaluated 2024-07-16.

Conditions:
Hereditary cancer-predisposing syndrome. Also called: Hereditary Cancer Syndrome; Hereditary neoplastic syndrome; Neoplastic Syndromes, Hereditary; Tumor predisposition. Identifiers: Orphanet 140162, MedGen C0027672, MeSH D009386, MONDO:0015356.
BAP1-related tumor predisposition syndrome (TPDS1). Also called: COMMON Syndrome; TUMOR PREDISPOSITION SYNDROME 1; BAP1 tumor predisposition syndrome; Tumor susceptibility linked to germline BAP1 mutations. Identifiers: Orphanet 289539, MedGen C3280492, MONDO:0013692, OMIM 614327.

Submissions (2):

Myriad Genetics, Inc.
Classification: Benign for BAP1-related tumor predisposition syndrome. Last evaluated: 2024-07-16. Review status: criteria provided, single submitter. Criteria: Myriad Autosomal Dominant, Autosomal Recessive and X-Linked Classification Criteria (2023). Collection method: clinical testing. Allele origin: unknown.
Comment: This variant is considered benign. This variant is a silent/synonymous amino acid change and it is not expected to impact splicing.

Ambry Genetics
Classification: Likely benign for Hereditary cancer-predisposing syndrome. Last evaluated: 2022-03-02. Review status: criteria provided, single submitter. Criteria: Ambry Variant Classification Scheme 2023. Collection method: clinical testing. Allele origin: germline.